The following is an entry in ClinVar:

ClinVar aggregate classification (germline): Uncertain significance (1 of 4 stars; one submission).

Allele frequency attached by ClinVar (database versions not stated): gnomAD exomes below 0.00001; gnomAD 0.00002; TOPMed 0.00002; ExAC 0.00003.

Submission:

Labcorp Genetics (formerly Invitae), Labcorp
Classification: Uncertain significance. Last evaluated: 2022-07-06. Review status: criteria provided, single submitter. Criteria: Invitae Variant Classification Sherloc (09022015). Collection method: clinical testing. Allele origin: germline.
Comment: This sequence change replaces alanine, which is neutral and non-polar, with serine, which is neutral and polar, at codon 103 of the OTULIN protein (p.Ala103Ser). The frequency data for this variant in the population databases is considered unreliable, as metrics indicate poor data quality at this position in the gnomAD database. This variant has not been reported in the literature in individuals affected with OTULIN-related conditions. Algorithms developed to predict the effect of missense changes on protein structure and function are either unavailable or do not agree on the potential impact of this missense change (SIFT: "Tolerated"; PolyPhen-2: "Probably Damaging"; Align-GVGD: "Class C0"). In summary, the available evidence is currently insufficient to determine the role of this variant in disease. Therefore, it has been classified as a Variant of Uncertain Significance.

NM_138348.6(OTULIN):c.307G>T (p.Ala103Ser)

Gene: OTULIN (OTU deubiquitinase with linear linkage specificity; plus strand). Cytogenetic location: 5p15.2.
Variant type: single nucleotide variant.
Coding change: c.307G>T on transcript NM_138348.6 (MANE Select); coding-DNA position 307, G replaced by T.
Protein change: p.Ala103Ser; replaces alanine 103 with serine.
Molecular consequence: missense variant.
Genome position (GRCh38, 1-based): chr5:14,678,758, G>T. VCF-style: chr5-14678758-G-T. GRCh37 (hg19) VCF-style: chr5-14678867-G-T.
Other names: short protein forms A103S.
Identifiers: ClinVar variation 1909793 (VCV001909793.2), dbSNP rs776004992, ClinGen allele CA3208555.